The following is an entry in ClinVar:

NM_005908.4(MANBA):c.601dup (p.Ile201fs)

Gene: MANBA (mannosidase beta; minus strand). Cytogenetic location: 4q24.
Variant type: Duplication.
Coding change: c.601dup on transcript NM_005908.4 (MANE Select); coding-DNA position 601, one base duplicated (A; older notation c.601dupA).
Protein change: p.Ile201fs; shifts the reading frame from isoleucine 201.
Molecular consequence: frameshift variant.
Genome position (GRCh38, 1-based): chr4:102,714,510, T duplicated on the plus strand (A on the coding strand, the reverse complement: MANBA is on the minus strand); the first of 2 consecutive T bases (chr4:102,714,510-102,714,511); duplicating either gives the same sequence. VCF-style (leftmost placement, unchanged base first): chr4-102714509-A-AT. GRCh37 (hg19) VCF-style: chr4-103635666-A-AT.
Other names: short protein forms I201fs.
Identifiers: ClinVar variation 4779673 (VCV004779673.1).

ClinVar aggregate classification (germline): Pathogenic (1 of 4 stars; one submission).

Conditions:
Beta-D-mannosidosis (MANSB). Also called: MANNOSIDOSIS, BETA A, LYSOSOMAL; BETA-MANNOSIDASE DEFICIENCY; LYSOSOMAL BETA-MANNOSIDASE DEFICIENCY; Beta-Mannosidosis. Identifiers: Orphanet 118, MedGen C4048196, MONDO:0009562, OMIM 248510.

Submission:

Labcorp Genetics (formerly Invitae), Labcorp
Classification: Pathogenic for Beta-D-mannosidosis. Last evaluated: 2025-12-15. Review status: criteria provided, single submitter. Criteria: Invitae Variant Classification Sherloc (09022015). Collection method: clinical testing. Allele origin: germline.
Comment: This sequence change creates a premature translational stop signal (p.Ile201Asnfs*6) in the MANBA gene. It is expected to result in an absent or disrupted protein product. Loss-of-function variants in MANBA are known to be pathogenic (PMID: 9384606, 12468273). This variant is not present in population databases (gnomAD no frequency). This variant has not been reported in the literature in individuals affected with MANBA-related conditions. For these reasons, this variant has been classified as Pathogenic.

Literature cited by the submitters: PubMed 9384606; PubMed 12468273.